The following is an entry in ClinVar:

ClinVar aggregate classification (germline): Uncertain significance (1 of 4 stars; one submission).

Conditions:
Inborn genetic diseases. Identifiers: MedGen C0950123, MeSH D030342.

Submission:

Ambry Genetics
Classification: Uncertain significance for Inborn genetic diseases. Last evaluated: 2025-12-22. Review status: criteria provided, single submitter. Criteria: Ambry Variant Classification Scheme 2023. Collection method: clinical testing. Allele origin: germline.
Comment: The c.*120A>G alteration is located in the 3' untranslated region (3'UTR) of the PBX1 gene. This alteration consists of an A to G substitution 120 nucleotides after the termination codon of the PBX1 gene. This variant was not reported in population-based cohorts in the Genome Aggregation Database (gnomAD). This nucleotide position is well conserved in available vertebrate species. In silico splice site analysis predicts that this alteration will result in the creation or strengthening of a novel splice donor site. Based on insufficient or conflicting evidence, the clinical significance of this alteration remains unclear.

NM_002585.4(PBX1):c.*120A>G

Gene: PBX1 (PBX homeobox 1; plus strand). Cytogenetic location: 1q23.3.
Variant type: single nucleotide variant.
Coding change: c.*120A>G on transcript NM_002585.4 (MANE Select); 120 bases downstream of the stop codon, A replaced by G.
Molecular consequence: 3 prime UTR variant. On other transcripts: intron variant (2).
Genome position (GRCh38, 1-based): chr1:164,846,796, A>G. VCF-style: chr1-164846796-A-G. GRCh37 (hg19) VCF-style: chr1-164816033-A-G.
Other names: c.*256A>G (NM_001204961.2); c.*120A>G (NM_001353130.1); c.*43+25170A>G (NM_001353131.2); c.1201-2544A>G (NM_001204963.2).
Identifiers: ClinVar variation 4833033 (VCV004833033.1).